The following is an entry in ClinVar:

NM_000053.4(ATP7B):c.3489C>T (p.Ser1163=)

Gene: ATP7B (ATPase copper transporting beta; minus strand). Cytogenetic location: 13q14.3.
Variant type: single nucleotide variant.
Coding change: c.3489C>T on transcript NM_000053.4 (MANE Select); coding-DNA position 3489, C replaced by T.
Protein change: p.Ser1163=; no amino-acid change (serine 1163 retained).
Molecular consequence: synonymous variant.
Genome position (GRCh38, 1-based): chr13:51,941,148, G>A on the plus strand (C>T on the coding strand, the complement: ATP7B is on the minus strand). VCF-style: chr13-51941148-G-A. GRCh37 (hg19) VCF-style: chr13-52515284-G-A.
Other names: c.2868C>T, p.Ser956= (NM_001005918.3); c.3156C>T, p.Ser1052= (NM_001243182.2); c.3255C>T, p.Ser1085= (NM_001330578.2); c.3237C>T, p.Ser1079= (NM_001330579.2).
Identifiers: ClinVar variation 35721 (VCV000035721.42), dbSNP rs193922106, ClinGen allele CA260140.
Genomic context (GRCh38, chr13:51,941,148, plus strand): 5'-AGCCACCAGGATGGCTGTCTGTCCTTTCATCTCGTGGTCTGTCATAGCGTCACTGACATC[G>A]CTAGAAATGGTTAAACCGTTGCGCCTCAGCCACTCACGGTTTCCAATCAGCACAGAGAAG-3'
Protein context (NP_000044.2, residues 1153-1173): WLRRNGLTIS[Ser1163=]DVSDAMTDHE

ClinVar aggregate classification (germline): Likely benign. Review status: criteria provided, multiple submitters, no conflicts (2 of 4 stars). 9 submissions from 9 submitters: Likely benign (8). 1 of the submissions does not count toward it. Last evaluated 2025-12-31.

Conditions:
ATP7B-related disorder. Also called: ATP7B-related condition.
Inborn genetic diseases. Identifiers: MedGen C0950123, MeSH D030342.
Wilson disease (WND). Also called: Wilson's disease. Identifiers: Orphanet 905, MedGen C0019202, MONDO:0010200, OMIM 277900. Disease mechanism: loss of function.

Allele frequency attached by ClinVar (database versions not stated): gnomAD exomes 0.00002 and 0.00004; ESP Exome Variant Server 0.00008; TOPMed 0.00005; ExAC 0.00002; gnomAD 0.00004.
gnomAD v4.1: 68 of 1,614,000 alleles (0.0042%); highest among the groups gnomAD compares: Non-Finnish European, 0.0054%; no homozygotes.

Submissions (9):

PreventionGenetics, part of Exact Sciences
Classification: Likely benign for ATP7B-related condition. Last evaluated: 2025-12-31. Review status: criteria provided, single submitter. Criteria: ACMG Guidelines, 2015. Collection method: clinical testing. Allele origin: germline.
Comment: This variant is classified as likely benign based on ACMG/AMP sequence variant interpretation guidelines (Richards et al. 2015 PMID: 25741868, with internal and published modifications).

Labcorp Genetics (formerly Invitae), Labcorp
Classification: Likely benign for Wilson disease. Last evaluated: 2025-01-27. Review status: criteria provided, single submitter. Criteria: Invitae Variant Classification Sherloc (09022015). Collection method: clinical testing. Allele origin: germline.

Blueprint Genetics
Classification: Likely benign. Last evaluated: 2024-09-02. Review status: criteria provided, single submitter. Criteria: ACMG Guidelines, 2015. Collection method: clinical testing. Allele origin: germline.

CeGaT Center for Human Genetics Tuebingen
Classification: Likely benign. Last evaluated: 2024-07-01. Review status: criteria provided, single submitter. Criteria: CeGaT Center For Human Genetics Tuebingen Variant Classification Criteria Version 2. Collection method: clinical testing. Allele origin: germline. Affected: yes. Observed: 2 variant alleles.
Comment: ATP7B: BP4, BP7

All of Us Research Program, National Institutes of Health
Classification: Likely benign for Wilson disease. Last evaluated: 2023-12-01. Review status: criteria provided, single submitter. Criteria: ACMG Guidelines, 2015. Collection method: clinical testing. Allele origin: germline. Inheritance: Autosomal recessive inheritance. Observed: 6 variant alleles, 6 heterozygotes.
Comment: This study involves interpretation of variants in research participants for the purpose of population health screening. Participant phenotype was not available at the time of variant classification. Additional details can be found in publication PMID: 35346344, PMCID: PMC8962531

Ambry Genetics
Classification: Likely benign for Inborn genetic diseases. Last evaluated: 2023-07-21. Review status: criteria provided, single submitter. Criteria: Ambry Variant Classification Scheme 2023. Collection method: clinical testing. Allele origin: germline.

Color Diagnostics, LLC DBA Color Health
Classification: Likely benign for Wilson disease. Last evaluated: 2022-05-26. Review status: criteria provided, single submitter. Criteria: ACMG Guidelines, 2015. Collection method: clinical testing. Allele origin: germline.

Women's Health and Genetics/Laboratory Corporation of America, LabCorp
Classification: Likely benign for Wilson Disease. Last evaluated: 2011-08-18. Review status: criteria provided, single submitter. Criteria: LabCorp Variant Classification Summary - May 2015. Collection method: curation, clinical testing. Allele origin: germline. Inheritance: autosomal unknown. Affected: yes.
ClinVar note: Converted during submission from likely benign to Likely benign.

Counsyl
Classification: Likely benign for Wilson's disease. Last evaluated: 2014-08-26. Review status: no assertion criteria provided. Collection method: literature only. Allele origin: unknown. Inheritance: Autosomal recessive inheritance. Not counted in ClinVar's aggregate classification.

Literature cited by the submitters: PubMed 9311736 (cited by Counsyl).